The following is an entry in ClinVar:

NM_000051.4(ATM):c.7189C>T (p.Gln2397Ter)

Genes: ATM (ATM serine/threonine kinase; plus strand), C11orf65 (chromosome 11 open reading frame 65; minus strand). Cytogenetic location: 11q22.3.
Variant type: single nucleotide variant.
Coding change: c.7189C>T on transcript NM_000051.4 (MANE Select); coding-DNA position 7189, C replaced by T.
Protein change: p.Gln2397Ter; replaces glutamine 2397 with a stop codon.
Molecular consequence: nonsense. On other transcripts: intron variant (2).
Genome position (GRCh38, 1-based): chr11:108,329,120, C>T. VCF-style: chr11-108329120-C-T. GRCh37 (hg19) VCF-style: chr11-108199847-C-T.
Other names: c.7189C>T, p.Gln2397Ter (NM_001351834.2); c.641-20049G>A (NM_001330368.2); c.*38+6100G>A (NM_001351110.2); short protein forms Q2397*.
Identifiers: ClinVar variation 233267 (VCV000233267.14), dbSNP rs747372355, ClinGen allele CA10579253.

ClinVar aggregate classification (germline): Pathogenic. Review status: criteria provided, multiple submitters, no conflicts (2 of 4 stars). 2 submissions from 2 submitters: Pathogenic (2). Last evaluated 2019-11-23.

Conditions:
Hereditary cancer-predisposing syndrome. Also called: Neoplastic Syndromes, Hereditary; Hereditary neoplastic syndrome; Tumor predisposition; Hereditary Cancer Syndrome. Identifiers: Orphanet 140162, MedGen C0027672, MeSH D009386, MONDO:0015356.
Ataxia-telangiectasia syndrome (AT). Also called: Ataxia telangiectasia (A-T); Cerebello-oculocutaneous telangiectasia; Immunodeficiency with ataxia telangiectasia; LOUIS-BAR SYNDROME; AT, COMPLEMENTATION GROUP C; ATAXIA-TELANGIECTASIA, FRESNO VARIANT. Identifiers: Orphanet 100, MedGen C0004135, MONDO:0008840, OMIM 208900.

Submissions (2):

Labcorp Genetics (formerly Invitae), Labcorp
Classification: Pathogenic for Ataxia-telangiectasia syndrome. Last evaluated: 2019-11-23. Review status: criteria provided, single submitter. Criteria: Invitae Variant Classification Sherloc (09022015). Collection method: clinical testing. Allele origin: germline.
Comment: For these reasons, this variant has been classified as Pathogenic. Loss-of-function variants in ATM are known to be pathogenic (PMID: 23807571, 25614872). This variant has not been reported in the literature in individuals with ATM-related disease. ClinVar contains an entry for this variant (Variation ID: 233267). This variant is not present in population databases (ExAC no frequency). This sequence change creates a premature translational stop signal (p.Gln2397*) in the ATM gene. It is expected to result in an absent or disrupted protein product.

Ambry Genetics
Classification: Pathogenic for Hereditary cancer-predisposing syndrome. Last evaluated: 2015-08-10. Review status: criteria provided, single submitter. Criteria: Ambry Variant Classification Scheme 2023. Collection method: clinical testing. Allele origin: germline.
Comment: The p.Q2397* pathogenic mutation (also known as c.7189C>T), located in coding exon 48 of the ATM gene, results from a C to T substitution at nucleotide position 7189. This changes the amino acid from a glutamine to a stop codon within coding exon 48. Since premature stop codons are typically deleterious in nature, this alteration is interpreted as a disease-causing mutation (ACMG Recommendations for Standards for Interpretation and Reporting of Sequence Variations. Revision 2007. Genet Med. 2008;10:294).

Literature cited by the submitters: PubMed 23807571 (cited by Labcorp Genetics (formerly Invitae), Labcorp); PubMed 25614872 (cited by Labcorp Genetics (formerly Invitae), Labcorp).